The following is an entry in ClinVar:

ClinVar aggregate classification (germline): Likely benign. Review status: criteria provided, multiple submitters, no conflicts (2 of 4 stars). 2 submissions from 2 submitters: Likely benign (2). Last evaluated 2026-08-01.

Conditions:
Neuropathy, hereditary sensory and autonomic, type 2A (HSAN2A). Also called: HSAN IIA; WNK1-Related HSAN2 (HSAN2A); ACROOSTEOLYSIS, GIACCAI TYPE; ACROOSTEOLYSIS, NEUROGENIC; MORVAN DISEASE; NEUROPATHY, CONGENITAL SENSORY. Identifiers: Orphanet 970, MedGen C2752089, MONDO:0024309, OMIM 201300.
Pseudohypoaldosteronism type 2C (PHA2C). Also called: Pseudohypoaldosteronism Type IIC. Identifiers: Orphanet 757, Orphanet 88940, MedGen C1840391, MONDO:0013778, OMIM 614492.

gnomAD v4.1: 4 of 1,612,592 alleles (0.00025%); highest among the groups gnomAD compares: Middle Eastern, 0.016%; no homozygotes.

Submissions (2):

CeGaT Center for Human Genetics Tuebingen
Classification: Likely benign. Last evaluated: 2026-08-01. Review status: criteria provided, single submitter. Criteria: CeGaT Center For Human Genetics Tuebingen Variant Classification Criteria Version 2. Collection method: clinical testing. Allele origin: germline. Affected: yes. Observed: 1 variant allele.
Comment: WNK1: BP4, BP7

Labcorp Genetics (formerly Invitae), Labcorp
Classification: Likely benign for Neuropathy, hereditary sensory and autonomic, type 2A; Pseudohypoaldosteronism type 2C. Last evaluated: 2024-04-25. Review status: criteria provided, single submitter. Criteria: Invitae Variant Classification Sherloc (09022015). Collection method: clinical testing. Allele origin: germline.

NM_018979.4(WNK1):c.288C>T (p.Pro96=)

Gene: WNK1 (WNK lysine deficient protein kinase 1; plus strand). Cytogenetic location: 12p13.33.
Variant type: single nucleotide variant.
Coding change: c.288C>T on transcript NM_018979.4 (MANE Select); coding-DNA position 288, C replaced by T.
Protein change: p.Pro96=; no amino-acid change (proline 96 retained).
Molecular consequence: synonymous variant.
Genome position (GRCh38, 1-based): chr12:753,853, C>T. VCF-style: chr12-753853-C-T. GRCh37 (hg19) VCF-style: chr12-863019-C-T.
Other names: c.288C>T, p.Pro96= (NM_001184985.2, NM_014823.3, NM_213655.5).
Identifiers: ClinVar variation 3761425 (VCV003761425.3).